The following is an entry in ClinVar:

NM_016938.5(EFEMP2):c.627G>A (p.Met209Ile)

Gene: EFEMP2 (EGF-like fibulin extracellular matrix protein 2; minus strand). Cytogenetic location: 11q13.1.
Variant type: single nucleotide variant.
Coding change: c.627G>A on transcript NM_016938.5 (MANE Select); coding-DNA position 627, G replaced by A.
Protein change: p.Met209Ile; replaces methionine 209 with isoleucine.
Molecular consequence: missense variant. On other transcripts: non-coding transcript variant (1).
Genome position (GRCh38, 1-based): chr11:65,869,957, C>T on the plus strand (G>A on the coding strand, the complement: EFEMP2 is on the minus strand). VCF-style: chr11-65869957-C-T. GRCh37 (hg19) VCF-style: chr11-65637428-C-T.
Other names: short protein forms M209I.
Identifiers: ClinVar variation 1993013 (VCV001993013.4), dbSNP rs2495577327, ClinGen allele CA381359698.

ClinVar aggregate classification (germline): Uncertain significance (1 of 4 stars; one submission).

Conditions:
Cutis laxa, autosomal recessive, type 1B (ARCL1B). Also called: EFEMP2-Related Cutis Laxa; CUTIS LAXA, AUTOSOMAL RECESSIVE, TYPE IB. Identifiers: Orphanet 90349, MedGen C3280798, MONDO:0013754, OMIM 614437. Disease mechanism: loss of function.

Allele frequency attached by ClinVar (database versions not stated): gnomAD exomes below 0.00001.

Submission:

Labcorp Genetics (formerly Invitae), Labcorp
Classification: Uncertain significance for Cutis laxa, autosomal recessive, type 1B. Last evaluated: 2022-05-11. Review status: criteria provided, single submitter. Criteria: Invitae Variant Classification Sherloc (09022015). Collection method: clinical testing. Allele origin: germline.
Comment: Algorithms developed to predict the effect of missense changes on protein structure and function are either unavailable or do not agree on the potential impact of this missense change (SIFT: "Deleterious"; PolyPhen-2: "Benign"; Align-GVGD: "Class C0"). This sequence change replaces methionine, which is neutral and non-polar, with isoleucine, which is neutral and non-polar, at codon 209 of the EFEMP2 protein (p.Met209Ile). This variant is not present in population databases (gnomAD no frequency). This variant has not been reported in the literature in individuals affected with EFEMP2-related conditions. In summary, the available evidence is currently insufficient to determine the role of this variant in disease. Therefore, it has been classified as a Variant of Uncertain Significance.